The following is an entry in ClinVar:

ClinVar aggregate classification (germline): Benign. Review status: criteria provided, multiple submitters, no conflicts (2 of 4 stars). 2 submissions from 2 submitters: Benign (2). Last evaluated 2026-06-10.

Conditions:
OPLAH-related disorder. Also called: OPLAH-related condition.
5-Oxoprolinase deficiency (OPLAHD). Also called: 5-OXOPROLINURIA DUE TO 5-OXOPROLINASE DEFICIENCY. Identifiers: Orphanet 33572, MedGen C0268525, MONDO:0009825, OMIM 260005, HP:0040142.

Allele frequency attached by ClinVar (database versions not stated): ESP Exome Variant Server 0.00008; gnomAD exomes 0.00099 and 0.00342; gnomAD 0.00106 and 0.00146; TOPMed 0.00175; ExAC 0.00318; 1000 Genomes Project 30x 0.00547; 1000 Genomes Project 0.00639.
gnomAD v4.1: 1,739 of 1,611,940 alleles (0.11%); highest among the groups gnomAD compares: East Asian, 3.5%; 41 homozygotes.

Submissions (2):

PreventionGenetics, part of Exact Sciences
Classification: Benign for OPLAH-related condition. Last evaluated: 2026-06-10. Review status: criteria provided, single submitter. Criteria: ACMG Guidelines, 2015. Collection method: clinical testing. Allele origin: germline.
Comment: This variant is classified as benign based on ACMG/AMP sequence variant interpretation guidelines (Richards et al. 2015 PMID: 25741868, with internal and published modifications).

Labcorp Genetics (formerly Invitae), Labcorp
Classification: Benign for 5-Oxoprolinase deficiency. Last evaluated: 2026-02-01. Review status: criteria provided, single submitter. Criteria: Invitae Variant Classification Sherloc (09022015). Collection method: clinical testing. Allele origin: germline.

NM_017570.5(OPLAH):c.1089-5C>T

Gene: OPLAH (5-oxoprolinase, ATP-hydrolysing; minus strand). Cytogenetic location: 8q24.3.
Variant type: single nucleotide variant.
Coding change: c.1089-5C>T on transcript NM_017570.5 (MANE Select); 5 bases into the intron before coding-DNA position 1089, C replaced by T.
Molecular consequence: intron variant.
Genome position (GRCh38, 1-based): chr8:144,057,928, G>A on the plus strand (C>T on the coding strand, the complement: OPLAH is on the minus strand). VCF-style: chr8-144057928-G-A. GRCh37 (hg19) VCF-style: chr8-145112831-G-A.
Identifiers: ClinVar variation 779926 (VCV000779926.11), dbSNP rs77001213, ClinGen allele CA4932001.